The following is an entry in ClinVar:

ClinVar aggregate classification (germline): Uncertain significance. Review status: criteria provided, multiple submitters, no conflicts (2 of 4 stars). 3 submissions from 3 submitters: Uncertain significance (2). 1 of the submissions does not count toward it. Last evaluated 2022-09-28.

Conditions:
TRMU-related disorder. Also called: TRMU-related condition.

Allele frequency attached by ClinVar (database versions not stated): gnomAD exomes 0.00006 and 0.00010; TOPMed 0.00006; ExAC 0.00008; gnomAD 0.00008; ESP Exome Variant Server 0.00015; 1000 Genomes Project 30x 0.00016; 1000 Genomes Project 0.00020.
gnomAD v4.1: 164 of 1,614,240 alleles (0.01%); highest among the groups gnomAD compares: Non-Finnish European, 0.012%; no homozygotes.

Submissions (3):

GeneDx
Classification: Uncertain significance. Last evaluated: 2022-09-28. Review status: criteria provided, single submitter. Criteria: GeneDx Variant Classification Process June 2021. Collection method: clinical testing. Allele origin: germline. Affected: yes.
Comment: Not observed at significant frequency in large population cohorts (gnomAD); In silico analysis supports that this missense variant does not alter protein structure/function; Has not been previously published as pathogenic or benign to our knowledge

Eurofins Ntd Llc (ga)
Classification: Uncertain significance. Last evaluated: 2016-12-29. Review status: criteria provided, single submitter. Criteria: EGL Classification Definitions 2015. Collection method: clinical testing. Allele origin: germline. Observed: 1 variant allele, 1 heterozygote.

PreventionGenetics, part of Exact Sciences
Classification: Uncertain significance for TRMU-related condition. Last evaluated: 2024-06-19. Review status: no assertion criteria provided. Collection method: clinical testing. Allele origin: germline. Not counted in ClinVar's aggregate classification.
Comment: The TRMU c.172T>C variant is predicted to result in the amino acid substitution p.Tyr58His. To our knowledge, this variant has not been reported in the literature. This variant is reported in 0.013% of alleles in individuals of European (Non-Finnish) descent in gnomAD. At this time, the clinical significance of this variant is uncertain due to the absence of conclusive functional and genetic evidence.

NM_018006.5(TRMU):c.172T>C (p.Tyr58His)

Gene: TRMU (tRNA mitochondrial 2-thiouridylase; plus strand). Cytogenetic location: 22q13.31.
Variant type: single nucleotide variant.
Coding change: c.172T>C on transcript NM_018006.5 (MANE Select); coding-DNA position 172, T replaced by C.
Protein change: p.Tyr58His; replaces tyrosine 58 with histidine.
Molecular consequence: missense variant. On other transcripts: 5 prime UTR variant (3), non-coding transcript variant (2).
Genome position (GRCh38, 1-based): chr22:46,337,868, T>C. VCF-style: chr22-46337868-T-C. GRCh37 (hg19) VCF-style: chr22-46733765-T-C.
Other names: c.-64T>C (NM_001282782.2); c.-83T>C (NM_001282783.2, NM_001282784.2); c.172T>C, p.Tyr58His (NM_001282785.2); c.172T>C (NM_018006.4); short protein forms Y58H.
Identifiers: ClinVar variation 499594 (VCV000499594.7), dbSNP rs138382860, ClinGen allele CA10291962.
Genomic context (GRCh38, chr22:46,337,868, plus strand): 5'-AACTGGGACTCACTGGATGAACATGGGGTCTGTACTGCCGACAAAGACTGTGAAGATGCT[T>C]ACAGAGTTTGCCAGATCTTAGACATCCCTTTCCATCAAGTGTCCTACGTAAAGGAGTATT-3'
Protein context (NP_060476.2, residues 48-68): CTADKDCEDA[Tyr58His]RVCQILDIPF